The following is an entry in ClinVar:

NM_004612.4(TGFBR1):c.1338_1339del (p.Cys446_Glu447delinsTer)

Gene: TGFBR1 (transforming growth factor beta receptor 1; plus strand). Cytogenetic location: 9q22.33.
Variant type: Microsatellite.
Coding change: c.1338_1339del on transcript NM_004612.4 (MANE Select); coding-DNA positions 1338 to 1339, 2 bases deleted (TG; older notation c.1338_1339delTG).
Protein change: p.Cys446_Glu447delinsTer.
Molecular consequence: nonsense.
Genome position (GRCh38, 1-based): chr9:99,147,736-99,147,737, TG deleted; deleting any 2 consecutive bases within chr9:99,147,734-99,147,737 gives the same sequence; the c. name uses the placement nearest the transcript's 3' end. VCF-style (leftmost placement, unchanged base first): chr9-99147733-TTG-T. GRCh37 (hg19) VCF-style: chr9-101910015-TTG-T.
Other names: c.1107_1108del, p.Cys369_Glu370delinsTer (NM_001130916.3); c.1350_1351del, p.Cys450_Glu451delinsTer (NM_001306210.2); c.1338_1339delTG (NM_004612.4).
Identifiers: ClinVar variation 546572 (VCV000546572.3), dbSNP rs1554702481, ClinGen allele CA658822760.

ClinVar aggregate classification (germline): Conflicting classifications of pathogenicity. Review status: criteria provided, conflicting classifications (1 of 4 stars). 2 submissions from 2 submitters: Pathogenic (1); Uncertain significance (1). Last evaluated 2026-03-18.

Conditions:
Familial aortopathy. Identifiers: MedGen CN078214.

Submissions (2):

Women's Health and Genetics/Laboratory Corporation of America, LabCorp
Classification: Pathogenic for Familial aortopathy. Last evaluated: 2026-03-18. Review status: criteria provided, single submitter. Criteria: LabCorp Variant Classification Summary - May 2015. Collection method: clinical testing. Allele origin: germline.
Comment: Variant summary: TGFBR1 c.1338_1339delTG (p.Cys446X) results in a premature termination codon, predicted to cause a truncation of the encoded protein or absence of the protein due to nonsense mediated decay, which are commonly known mechanisms for disease. The variant was absent in 250950 control chromosomes. To our knowledge, no occurrence of c.1338_1339delTG in individuals affected with TGFBR1-related conditions and no experimental evidence demonstrating its impact on protein function have been reported. ClinVar contains an entry for this variant (Variation ID: 546572). Based on the evidence outlined above, the variant was classified as pathogenic.

GeneDx
Classification: Uncertain significance. Last evaluated: 2018-06-01. Review status: criteria provided, single submitter. Criteria: GeneDx Variant Classification (06012015). Collection method: clinical testing. Allele origin: germline. Affected: yes.
Comment: A variant of uncertain significance has been identified in the TGFBR1 gene. The c.1338_1339delTG variant has notbeen published as pathogenic or been reported as benign to our knowledge, and is not observed in large populationcohorts (Lek et al., 2016). The c.1338_1339delTG variant creates a premature termination codon in exon 8, thepenultimate exon of the TGFBR1 gene, which is predicted to result in a premature truncation of the protein with lossof the last 58 amino acids. However, in the absence of functional studies, the physiological consequence of this variantcannot be precisely determined. No other nonsense or frameshift variants downstream of the c.1338_1339delTGvariant have been reported to our knowledge in association with LDS. The majority of pathogenic variants inTGFBR1 reported in association with Loeys-Dietz syndrome/TAAD are missense changes in the kinase domain(exons 4-9) which lead to perturbation in TGF-beta signaling (Stheneur et al. 2008; Loeys et al., 2006). Of note,haploinsufficiency in TGFBR1 has been reported in association with Ferguson-Smith disease, also known as multipleself-healing squamous epithelioma (MSSE) (Goudie et al., 2011).Thus, additional evidence such as observation in a significant number of affected individuals or segregation data isneeded to definitively determine the pathogenicity of this variant.